The following is an entry in ClinVar:

ClinVar aggregate classification (germline): Uncertain significance (1 of 4 stars; one submission).

Submission:

Labcorp Genetics (formerly Invitae), Labcorp
Classification: Uncertain significance. Last evaluated: 2022-03-26. Review status: criteria provided, single submitter. Criteria: Invitae Variant Classification Sherloc (09022015). Collection method: clinical testing. Allele origin: germline.
Comment: In summary, the available evidence is currently insufficient to determine the role of this variant in disease. Therefore, it has been classified as a Variant of Uncertain Significance. Algorithms developed to predict the effect of missense changes on protein structure and function output the following: SIFT: "Tolerated"; PolyPhen-2: "Benign"; Align-GVGD: "Class C0". The alanine amino acid residue is found in multiple mammalian species, which suggests that this missense change does not adversely affect protein function. This variant has not been reported in the literature in individuals affected with DNASE1L3-related conditions. This variant is not present in population databases (gnomAD no frequency). This sequence change replaces aspartic acid, which is acidic and polar, with alanine, which is neutral and non-polar, at codon 124 of the DNASE1L3 protein (p.Asp124Ala).

NM_004944.4(DNASE1L3):c.371A>C (p.Asp124Ala)

Gene: DNASE1L3 (deoxyribonuclease 1L3; minus strand). Cytogenetic location: 3p14.3.
Variant type: single nucleotide variant.
Coding change: c.371A>C on transcript NM_004944.4 (MANE Select); coding-DNA position 371, A replaced by C.
Protein change: p.Asp124Ala; replaces aspartic acid 124 with alanine.
Molecular consequence: missense variant.
Genome position (GRCh38, 1-based): chr3:58,204,831, T>G on the plus strand (A>C on the coding strand, the complement: DNASE1L3 is on the minus strand). VCF-style: chr3-58204831-T-G. GRCh37 (hg19) VCF-style: chr3-58190558-T-G.
Other names: c.281A>C, p.Asp94Ala (NM_001256560.2); short protein forms D124A, D94A.
Identifiers: ClinVar variation 1909361 (VCV001909361.5), dbSNP rs1559758432, ClinGen allele CA353340095.